The following is an entry in ClinVar:

NM_052813.5(CARD9):c.228C>T (p.Tyr76=)

Gene: CARD9 (caspase recruitment domain family member 9; minus strand). Cytogenetic location: 9q34.3.
Variant type: single nucleotide variant.
Coding change: c.228C>T on transcript NM_052813.5 (MANE Select); coding-DNA position 228, C replaced by T.
Protein change: p.Tyr76=; no amino-acid change (tyrosine 76 retained).
Molecular consequence: synonymous variant.
Genome position (GRCh38, 1-based): chr9:136,371,418, G>A on the plus strand (C>T on the coding strand, the complement: CARD9 is on the minus strand). VCF-style: chr9-136371418-G-A. GRCh37 (hg19) VCF-style: chr9-139265870-G-A.
Other names: p.Tyr76=; c.228C>T, p.Tyr76= (NM_052814.4).
Identifiers: ClinVar variation 365856 (VCV000365856.15), dbSNP rs11145769, ClinGen allele CA5333208.

ClinVar aggregate classification (germline): Benign. Review status: criteria provided, multiple submitters, no conflicts (2 of 4 stars). 4 submissions from 4 submitters: Benign (4). Last evaluated 2026-02-02.

Conditions:
Predisposition to invasive fungal disease due to CARD9 deficiency (IMD103). Also called: CARD9 IMMUNODEFICIENCY; Candidiasis, familial, 2, autosomal recessive; IMMUNODEFICIENCY 103, SUSCEPTIBILITY TO FUNGAL INFECTIONS. Identifiers: Orphanet 457088, MedGen C1859353, MONDO:0008905, OMIM 212050.

Allele frequency attached by ClinVar (database versions not stated): gnomAD exomes 0.03468 and 0.03982; ESP Exome Variant Server 0.03755; TOPMed 0.03790; gnomAD 0.03984 and 0.04088; 1000 Genomes Project 30x 0.06512; ExAC 0.06570; 1000 Genomes Project 0.06629.
gnomAD v4.1: 56,184 of 1,588,452 alleles (3.5%); highest among the groups gnomAD compares: East Asian, 10%; 1,215 homozygotes.

Submissions (4):

Labcorp Genetics (formerly Invitae), Labcorp
Classification: Benign for Predisposition to invasive fungal disease due to CARD9 deficiency. Last evaluated: 2026-02-02. Review status: criteria provided, single submitter. Criteria: Invitae Variant Classification Sherloc (09022015). Collection method: clinical testing. Allele origin: germline.

Mayo Clinic Laboratories, Mayo Clinic
Classification: Benign. Last evaluated: 2022-09-06. Review status: criteria provided, single submitter. Criteria: ACMG Guidelines, 2015. Collection method: clinical testing. Allele origin: germline. Observed: 8 variant alleles.

Illumina Laboratory Services, Illumina
Classification: Benign for Predisposition to invasive fungal disease due to CARD9 deficiency. Last evaluated: 2018-01-13. Review status: criteria provided, single submitter. Criteria: ICSL Variant Classification Criteria 13 December 2019. Collection method: clinical testing. Allele origin: germline.
Comment: This variant was observed in the ICSL laboratory as part of a predisposition screen in an ostensibly healthy population. It had not been previously curated by ICSL or reported in the Human Gene Mutation Database (HGMD: prior to June 1st, 2018), and was therefore a candidate for classification through an automated scoring system. Utilizing variant allele frequency, disease prevalence and penetrance estimates, and inheritance mode, an automated score was calculated to assess if this variant is too frequent to cause the disease. Based on the score and internal cut-off values, a variant classified as benign is not then subjected to further curation. The score for this variant resulted in a classification of benign for this disease.

Breakthrough Genomics
Classification: Benign. Review status: criteria provided, single submitter. Criteria: ACMG Guidelines, 2015. Collection method: not provided. Allele origin: germline. Inheritance: Autosomal recessive inheritance. Affected: yes.